The following is an entry in ClinVar:

NM_001134407.3(GRIN2A):c.145C>T (p.Arg49Cys)

Gene: GRIN2A (glutamate ionotropic receptor NMDA type subunit 2A; minus strand). Cytogenetic location: 16p13.2.
Variant type: single nucleotide variant.
Coding change: c.145C>T on transcript NM_001134407.3 (MANE Select); coding-DNA position 145, C replaced by T.
Protein change: p.Arg49Cys; replaces arginine 49 with cysteine.
Molecular consequence: missense variant.
Genome position (GRCh38, 1-based): chr16:10,180,267, G>A on the plus strand (C>T on the coding strand, the complement: GRIN2A is on the minus strand). VCF-style: chr16-10180267-G-A. GRCh37 (hg19) VCF-style: chr16-10274124-G-A.
Other names: c.145C>T, p.Arg49Cys (NM_000833.5, NM_001134408.2); c.145C>T (NM_000833.3); short protein forms R49C.
Identifiers: ClinVar variation 4740476 (VCV004740476.2).

ClinVar aggregate classification (germline): Uncertain significance. Review status: criteria provided, multiple submitters, no conflicts (2 of 4 stars). 2 submissions from 2 submitters: Uncertain significance (2). Last evaluated 2026-03-19.

Conditions:
Landau-Kleffner syndrome (FESD). Also called: EPILEPSY, FOCAL, WITH SPEECH DISORDER AND WITH OR WITHOUT MENTAL RETARDATION; APHASIA, ACQUIRED, WITH EPILEPSY. Identifiers: Orphanet 1945, Orphanet 725, Orphanet 98818, MedGen C0282512, MONDO:0009509, OMIM 245570.

gnomAD v4.1: 1 of 1,613,606 alleles (0.000062%); highest among the groups gnomAD compares: Non-Finnish European, 0.000085%; no homozygotes.

Submissions (2):

GeneDx
Classification: Uncertain significance. Last evaluated: 2026-03-19. Review status: criteria provided, single submitter. Criteria: GeneDx Variant Classification Process June 2021. Collection method: clinical testing. Allele origin: germline.
Comment: Not observed at significant frequency in large population cohorts (gnomAD); In silico analysis suggests that this missense variant does not alter protein structure/function; Has not been previously published as pathogenic or benign to our knowledge

Labcorp Genetics (formerly Invitae), Labcorp
Classification: Uncertain significance for Landau-Kleffner syndrome. Last evaluated: 2025-05-05. Review status: criteria provided, single submitter. Criteria: Invitae Variant Classification Sherloc (09022015). Collection method: clinical testing. Allele origin: germline.
Comment: This sequence change replaces arginine, which is basic and polar, with cysteine, which is neutral and slightly polar, at codon 49 of the GRIN2A protein (p.Arg49Cys). This variant is not present in population databases (gnomAD no frequency). This variant has not been reported in the literature in individuals affected with GRIN2A-related conditions. Invitae Evidence Modeling of protein sequence and biophysical properties (such as structural, functional, and spatial information, amino acid conservation, physicochemical variation, residue mobility, and thermodynamic stability) indicates that this missense variant is not expected to disrupt GRIN2A protein function with a negative predictive value of 80%. In summary, the available evidence is currently insufficient to determine the role of this variant in disease. Therefore, it has been classified as a Variant of Uncertain Significance.